The following is an entry in ClinVar:

ClinVar aggregate classification (germline): Likely benign. Review status: criteria provided, multiple submitters, no conflicts (2 of 4 stars). 3 submissions from 3 submitters: Likely benign (2). 1 of the submissions does not count toward it. Last evaluated 2026-01-20.

Conditions:
GCLC-related disorder. Also called: GCLC-related condition.

Allele frequency attached by ClinVar (database versions not stated): ESP Exome Variant Server 0.00008; TOPMed 0.00010; gnomAD 0.00011; gnomAD exomes 0.00023; ExAC 0.00034.

Submissions (3):

Labcorp Genetics (formerly Invitae), Labcorp
Classification: Likely benign. Last evaluated: 2026-01-20. Review status: criteria provided, single submitter. Criteria: Invitae Variant Classification Sherloc (09022015). Collection method: clinical testing. Allele origin: germline.

Blueprint Genetics
Classification: Likely benign. Last evaluated: 2022-11-25. Review status: criteria provided, single submitter. Criteria: ACMG Guidelines, 2015. Collection method: clinical testing. Allele origin: germline.

PreventionGenetics, part of Exact Sciences
Classification: Likely benign for GCLC-related condition. Last evaluated: 2019-09-10. Review status: no assertion criteria provided. Collection method: clinical testing. Allele origin: germline. Not counted in ClinVar's aggregate classification.
Comment: This variant is classified as likely benign based on ACMG/AMP sequence variant interpretation guidelines (Richards et al. 2015 PMID: 25741868, with internal and published modifications).

NM_001498.4(GCLC):c.888C>T (p.Arg296=)

Gene: GCLC (glutamate-cysteine ligase catalytic subunit; minus strand). Cytogenetic location: 6p12.1.
Variant type: single nucleotide variant.
Coding change: c.888C>T on transcript NM_001498.4 (MANE Select); coding-DNA position 888, C replaced by T.
Protein change: p.Arg296=; no amino-acid change (arginine 296 retained).
Molecular consequence: synonymous variant.
Genome position (GRCh38, 1-based): chr6:53,508,652, G>A on the plus strand (C>T on the coding strand, the complement: GCLC is on the minus strand). VCF-style: chr6-53508652-G-A. GRCh37 (hg19) VCF-style: chr6-53373450-G-A.
Other names: c.774C>T, p.Arg258= (NM_001197115.2).
Identifiers: ClinVar variation 793593 (VCV000793593.7), dbSNP rs368832845, ClinGen allele CA3860221.